The following is an entry in ClinVar:

NM_007294.4(BRCA1):c.5393T>A (p.Phe1798Tyr)

Gene: BRCA1 (BRCA1 DNA repair associated; minus strand). Cytogenetic location: 17q21.31.
Variant type: single nucleotide variant.
Coding change: c.5393T>A on transcript NM_007294.4 (MANE Select); coding-DNA position 5393, T replaced by A.
Protein change: p.Phe1798Tyr; replaces phenylalanine 1798 with tyrosine.
Molecular consequence: missense variant. On other transcripts: non-coding transcript variant (1), intron variant (1).
Genome position (GRCh38, 1-based): chr17:43,049,134, A>T on the plus strand (T>A on the coding strand, the complement: BRCA1 is on the minus strand). VCF-style: chr17-43049134-A-T. GRCh37 (hg19) VCF-style: chr17-41201151-A-T.
Other names: c.1742T>A, p.Phe581Tyr (NM_001408509.1); c.1703T>A, p.Phe568Tyr (NM_001408510.1); c.1700T>A, p.Phe567Tyr (NM_001408511.1); c.1580T>A, p.Phe527Tyr (NM_001408512.1); c.1553T>A, p.Phe518Tyr (NM_001408513.1); c.1157T>A, p.Phe386Tyr (NM_001408514.1); c.5252T>A, p.Phe1751Tyr (NM_007297.4, NM_001407692.1, NM_001407694.1 and 12 more transcripts); c.2081T>A, p.Phe694Tyr (NM_007298.4, NM_007304.2, NM_001407979.1 and 11 more transcripts); and 73 more; short protein forms F1751Y, F1798Y, F1819Y, F694Y, F1629Y, F1644Y, F1669Y, F1670Y.
Identifiers: ClinVar variation 865695 (VCV000865695.3), dbSNP rs2051076234, ClinGen allele CA10590691.

Conditions:
Breast-ovarian cancer, familial, susceptibility to, 1 (BROVCA1). Also called: BRCA1 Hereditary Breast and Ovarian Cancer; OVARIAN CANCER, SUSCEPTIBILITY TO. Identifiers: Orphanet 145, MedGen C2676676, MONDO:0011450, OMIM 604370. Disease mechanism: loss of function.

Submission:

Brotman Baty Institute, University of Washington
No classification provided (evidence only). Condition: Breast-ovarian cancer, familial 1. Review status: no classification provided. Collection method: in vitro. Allele origin: not applicable. Functional consequence: functionally_normal.
ClinVar note: "not provided" was previously submitted as the classification for the variant. However, the classification appeared to be based only on an observation of functional data so it was converted to no classification on 2025-07-30.